The following is an entry in ClinVar:

NM_018124.4(RFWD3):c.1735T>C (p.Leu579=)

Gene: RFWD3 (ring finger and WD repeat domain 3; minus strand). Cytogenetic location: 16q23.1.
Variant type: single nucleotide variant.
Coding change: c.1735T>C on transcript NM_018124.4 (MANE Select); coding-DNA position 1735, T replaced by C.
Protein change: p.Leu579=; no amino-acid change (leucine 579 retained).
Molecular consequence: synonymous variant. On other transcripts: intron variant (1).
Genome position (GRCh38, 1-based): chr16:74,630,800, A>G on the plus strand (T>C on the coding strand, the complement: RFWD3 is on the minus strand). VCF-style: chr16-74630800-A-G. GRCh37 (hg19) VCF-style: chr16-74664698-A-G.
Other names: p.Leu579=; c.1735T>C, p.Leu579= (NM_001370534.1, NM_001370535.1); c.901T>C, p.Leu301= (NM_001370537.1, NM_001370539.1, NM_001370540.1 and 3 more transcripts); c.1577+1723T>C (NM_001370536.1).
Identifiers: ClinVar variation 2019243 (VCV002019243.5), dbSNP rs78796563, ClinGen allele CA8169091.

ClinVar aggregate classification (germline): Benign/Likely benign. Review status: criteria provided, multiple submitters, no conflicts (2 of 4 stars). 2 submissions from 2 submitters: Benign (1); Likely benign (1). Last evaluated 2026-02-02.

Allele frequency attached by ClinVar (database versions not stated): 1000 Genomes Project 0.01338; 1000 Genomes Project 30x 0.01343; gnomAD 0.01826; TOPMed 0.01860; ExAC 0.01903; ESP Exome Variant Server 0.02270; gnomAD exomes 0.02418.
gnomAD v4.1: 37,708 of 1,603,320 alleles (2.4%); highest among the groups gnomAD compares: Non-Finnish European, 2.7%; 515 homozygotes.

Submissions (2):

Labcorp Genetics (formerly Invitae), Labcorp
Classification: Benign. Last evaluated: 2026-02-02. Review status: criteria provided, single submitter. Criteria: Invitae Variant Classification Sherloc (09022015). Collection method: clinical testing. Allele origin: germline.

Mayo Clinic Laboratories, Mayo Clinic
Classification: Likely benign. Last evaluated: 2025-09-16. Review status: criteria provided, single submitter. Criteria: ACMG Guidelines, 2015. Collection method: clinical testing. Allele origin: germline. Observed: 4 variant alleles.
Comment: BS1, BP4, BP7